The following is an entry in ClinVar:

ClinVar aggregate classification (germline): Uncertain significance. Review status: criteria provided, multiple submitters, no conflicts (2 of 4 stars). 2 submissions from 2 submitters: Uncertain significance (2). Last evaluated 2023-12-05.

Conditions:
Hereditary cancer-predisposing syndrome. Also called: Hereditary Cancer Syndrome; Neoplastic Syndromes, Hereditary; Tumor predisposition; Hereditary neoplastic syndrome. Identifiers: Orphanet 140162, MedGen C0027672, MeSH D009386, MONDO:0015356.

Submissions (2):

Color Diagnostics, LLC DBA Color Health
Classification: Uncertain significance for Hereditary cancer-predisposing syndrome. Last evaluated: 2023-12-05. Review status: criteria provided, single submitter. Criteria: ACMG Guidelines, 2015. Collection method: clinical testing. Allele origin: germline.
Comment: This missense variant replaces threonine with arginine at codon 299 of the BMPR1A protein. Computational prediction is inconclusive regarding the impact of this variant on protein structure and function (internally defined REVEL score threshold 0.5 < inconclusive < 0.7, PMID: 27666373). To our knowledge, functional studies have not been reported for this variant. This variant has not been reported in individuals affected with BMPR1A-related disorders in the literature. This variant has not been identified in the general population by the Genome Aggregation Database (gnomAD). The available evidence is insufficient to determine the role of this variant in disease conclusively. Therefore, this variant is classified as a Variant of Uncertain Significance.

Ambry Genetics
Classification: Uncertain significance for Hereditary cancer-predisposing syndrome. Last evaluated: 2022-03-02. Review status: criteria provided, single submitter. Criteria: Ambry Variant Classification Scheme 2023. Collection method: clinical testing. Allele origin: germline.
Comment: The p.T299R variant (also known as c.896C>G), located in coding exon 8 of the BMPR1A gene, results from a C to G substitution at nucleotide position 896. The threonine at codon 299 is replaced by arginine, an amino acid with similar properties. This amino acid position is conserved. In addition, the in silico prediction for this alteration is inconclusive. Since supporting evidence is limited at this time, the clinical significance of this alteration remains unclear.

NM_004329.3(BMPR1A):c.896C>G (p.Thr299Arg)

Gene: BMPR1A (bone morphogenetic protein receptor type 1A; plus strand). Cytogenetic location: 10q23.2.
Variant type: single nucleotide variant.
Coding change: c.896C>G on transcript NM_004329.3 (MANE Select); coding-DNA position 896, C replaced by G.
Protein change: p.Thr299Arg; replaces threonine 299 with arginine.
Molecular consequence: missense variant.
Genome position (GRCh38, 1-based): chr10:86,919,199, C>G. VCF-style: chr10-86919199-C-G. GRCh37 (hg19) VCF-style: chr10-88678956-C-G.
Other names: short protein forms T299R.
Identifiers: ClinVar variation 491018 (VCV000491018.8), dbSNP rs1219651963, ClinGen allele CA377459914.